The following is an entry in ClinVar:

NM_000834.5(GRIN2B):c.3011A>G (p.Tyr1004Cys)

Gene: GRIN2B (glutamate ionotropic receptor NMDA type subunit 2B; minus strand). Cytogenetic location: 12p13.1.
Variant type: single nucleotide variant.
Coding change: c.3011A>G on transcript NM_000834.5 (MANE Select); coding-DNA position 3011, A replaced by G.
Protein change: p.Tyr1004Cys; replaces tyrosine 1004 with cysteine.
Molecular consequence: missense variant.
Genome position (GRCh38, 1-based): chr12:13,564,227, T>C on the plus strand (A>G on the coding strand, the complement: GRIN2B is on the minus strand). VCF-style: chr12-13564227-T-C. GRCh37 (hg19) VCF-style: chr12-13717161-T-C.
Other names: c.3011A>G, p.Tyr1004Cys (NM_001413992.1); short protein forms Y1004C.
Identifiers: ClinVar variation 2922100 (VCV002922100.3), dbSNP rs2497470367, ClinGen allele CA383992485.
Genomic context (GRCh38, chr12:13,564,227, plus strand): 5'-TCCAGGGGCTTCTTGCTGATGGACCTGGACTGGGTGGTGAAGGGTGGGTTGTCACAGTCG[T>C]AGAGCCCATCGATGGAGCTGGCACTGCCAATACTATGGGGCCGGTGGTGATGGTGGTAGT-3'
Protein context (NP_000825.2, residues 994-1014): IGSASSIDGL[Tyr1004Cys]DCDNPPFTTQ

ClinVar aggregate classification (germline): Uncertain significance (1 of 4 stars; one submission).

Conditions:
Intellectual developmental disorder, autosomal dominant 6, with or without seizures. Also called: GRIN2B-related developmental delay, intellectual disability and autism spectrum disorder; Intellectual disability, autosomal dominant 6. Identifiers: Orphanet 589547, MedGen C3151411, MONDO:0013509, OMIM 613970.
Developmental and epileptic encephalopathy, 27 (DEE27). Also called: Epileptic encephalopathy, early infantile, 27; GRIN2B-Related Neurodevelopmental Disorder. Identifiers: Orphanet 3451, MedGen C4015316, MONDO:0014505, OMIM 616139.

Allele frequency attached by ClinVar (database versions not stated): gnomAD exomes below 0.00001.
gnomAD v4.1: 1 of 1,614,156 alleles (0.000062%); highest among the groups gnomAD compares: Non-Finnish European, 0.000085%; no homozygotes.

Submission:

Labcorp Genetics (formerly Invitae), Labcorp
Classification: Uncertain significance for Developmental and epileptic encephalopathy, 27; Intellectual developmental disorder, autosomal dominant 6, with or without seizures. Last evaluated: 2024-01-10. Review status: criteria provided, single submitter. Criteria: Invitae Variant Classification Sherloc (09022015). Collection method: clinical testing. Allele origin: germline.
Comment: This sequence change replaces tyrosine, which is neutral and polar, with cysteine, which is neutral and slightly polar, at codon 1004 of the GRIN2B protein (p.Tyr1004Cys). This variant is not present in population databases (gnomAD no frequency). This variant has not been reported in the literature in individuals affected with GRIN2B-related conditions. Advanced modeling of protein sequence and biophysical properties (such as structural, functional, and spatial information, amino acid conservation, physicochemical variation, residue mobility, and thermodynamic stability) performed at Invitae indicates that this missense variant is not expected to disrupt GRIN2B protein function with a negative predictive value of 95%. In summary, the available evidence is currently insufficient to determine the role of this variant in disease. Therefore, it has been classified as a Variant of Uncertain Significance.